The following is an entry in ClinVar:

NM_004526.4(MCM2):c.126T>C (p.Pro42=)

Gene: MCM2 (minichromosome maintenance complex component 2; plus strand). Cytogenetic location: 3q21.3.
Variant type: single nucleotide variant.
Coding change: c.126T>C on transcript NM_004526.4 (MANE Select); coding-DNA position 126, T replaced by C.
Protein change: p.Pro42=; no amino-acid change (proline 42 retained).
Molecular consequence: synonymous variant. On other transcripts: non-coding transcript variant (1).
Genome position (GRCh38, 1-based): chr3:127,599,437, T>C. VCF-style: chr3-127599437-T-C. GRCh37 (hg19) VCF-style: chr3-127318280-T-C.
Identifiers: ClinVar variation 1254967 (VCV001254967.11), dbSNP rs140680894, ClinGen allele CA2595478.

ClinVar aggregate classification (germline): Benign. Review status: criteria provided, multiple submitters, no conflicts (2 of 4 stars). 3 submissions from 3 submitters: Benign (2). 1 of the submissions does not count toward it. Last evaluated 2025-01-29.

Conditions:
MCM2-related disorder. Also called: MCM2-related condition.

Allele frequency attached by ClinVar (database versions not stated): gnomAD 0.00042 and 0.00108; ESP Exome Variant Server 0.00062; TOPMed 0.00062; ExAC 0.00289; 1000 Genomes Project 30x 0.00437; 1000 Genomes Project 0.00459.

Submissions (3):

Labcorp Genetics (formerly Invitae), Labcorp
Classification: Benign. Last evaluated: 2025-01-29. Review status: criteria provided, single submitter. Criteria: Invitae Variant Classification Sherloc (09022015). Collection method: clinical testing. Allele origin: germline.

GeneDx
Classification: Benign. Last evaluated: 2020-07-31. Review status: criteria provided, single submitter. Criteria: GeneDx Variant Classification Process June 2021. Collection method: clinical testing. Allele origin: germline. Affected: yes.

PreventionGenetics, part of Exact Sciences
Classification: Benign for MCM2-related condition. Last evaluated: 2024-08-22. Review status: no assertion criteria provided. Collection method: clinical testing. Allele origin: germline. Not counted in ClinVar's aggregate classification.
Comment: This variant is classified as benign based on ACMG/AMP sequence variant interpretation guidelines (Richards et al. 2015 PMID: 25741868, with internal and published modifications).